The following is an entry in ClinVar:

NM_014000.3(VCL):c.2428G>T (p.Asp810Tyr)

Gene: VCL (vinculin; plus strand). Cytogenetic location: 10q22.2.
Variant type: single nucleotide variant.
Coding change: c.2428G>T on transcript NM_014000.3 (MANE Select); coding-DNA position 2428, G replaced by T.
Protein change: p.Asp810Tyr; replaces aspartic acid 810 with tyrosine.
Molecular consequence: missense variant.
Genome position (GRCh38, 1-based): chr10:74,105,347, G>T. VCF-style: chr10-74105347-G-T. GRCh37 (hg19) VCF-style: chr10-75865105-G-T.
Other names: c.2428G>T, p.Asp810Tyr (NM_003373.4); short protein forms D810Y.
Identifiers: ClinVar variation 2809863 (VCV002809863.3), dbSNP rs751458490, ClinGen allele CA377262966.

ClinVar aggregate classification (germline): Uncertain significance (1 of 4 stars; one submission).

Conditions:
Dilated cardiomyopathy 1W (CMD1W). Identifiers: Orphanet 154, MedGen C1969639, MONDO:0012667, OMIM 611407.

Submission:

Labcorp Genetics (formerly Invitae), Labcorp
Classification: Uncertain significance for Dilated cardiomyopathy 1W. Last evaluated: 2024-12-02. Review status: criteria provided, single submitter. Criteria: Invitae Variant Classification Sherloc (09022015). Collection method: clinical testing. Allele origin: germline.
Comment: This sequence change replaces aspartic acid, which is acidic and polar, with tyrosine, which is neutral and polar, at codon 810 of the VCL protein (p.Asp810Tyr). This variant is not present in population databases (gnomAD no frequency). This variant has not been reported in the literature in individuals affected with VCL-related conditions. ClinVar contains an entry for this variant (Variation ID: 2809863). An algorithm developed to predict the effect of missense changes on protein structure and function (PolyPhen-2) suggests that this variant is likely to be disruptive. In summary, the available evidence is currently insufficient to determine the role of this variant in disease. Therefore, it has been classified as a Variant of Uncertain Significance.